The following is an entry in ClinVar:

NM_025114.4(CEP290):c.4302+4T>C

Gene: CEP290 (centrosomal protein 290; minus strand). Cytogenetic location: 12q21.32.
Variant type: single nucleotide variant.
Coding change: c.4302+4T>C on transcript NM_025114.4 (MANE Select); 4 bases into the intron after coding-DNA position 4302, T replaced by C.
Molecular consequence: intron variant.
Genome position (GRCh38, 1-based): chr12:88,086,387, A>G on the plus strand (T>C on the coding strand, the complement: CEP290 is on the minus strand). VCF-style: chr12-88086387-A-G. GRCh37 (hg19) VCF-style: chr12-88480164-A-G.
Identifiers: ClinVar variation 4790527 (VCV004790527.1).

ClinVar aggregate classification (germline): Uncertain significance (1 of 4 stars; one submission).

Conditions:
Meckel-Gruber syndrome. Also called: GRUBER SYNDROME; DYSENCEPHALIA SPLANCHNOCYSTICA; Dysencephalia splachnocystica. Identifiers: Orphanet 564, MedGen C0265215, MONDO:0018921.
Joubert syndrome. Also called: Familial aplasia of the vermis; JOUBERT-BOLTSHAUSER SYNDROME; CEREBELLOPARENCHYMAL DISORDER IV. Identifiers: Orphanet 475, MedGen C5979921, MONDO:0018772.
Nephronophthisis. Also called: Juvenile Nephronophthisis. Identifiers: Orphanet 655, MedGen C0687120, MONDO:0019005, HP:0000090.

gnomAD v4.1: 1 of 1,574,204 alleles (0.000064%); highest among the groups gnomAD compares: African/African-American, 0.0013%; no homozygotes.

Submission:

Labcorp Genetics (formerly Invitae), Labcorp
Classification: Uncertain significance for Joubert syndrome; Meckel-Gruber syndrome; Nephronophthisis. Last evaluated: 2026-02-01. Review status: criteria provided, single submitter. Criteria: Invitae Variant Classification Sherloc (09022015). Collection method: clinical testing. Allele origin: germline.
Comment: This sequence change falls in intron 33 of the CEP290 gene. It does not directly change the encoded amino acid sequence of the CEP290 protein. It affects a nucleotide within the consensus splice site. This variant is not present in population databases (gnomAD no frequency). This variant has not been reported in the literature in individuals affected with CEP290-related conditions. Variants that disrupt the consensus splice site are a relatively common cause of aberrant splicing (PMID: 17576681, 9536098). Algorithms developed to predict the effect of sequence changes on RNA splicing suggest that this variant is not likely to affect RNA splicing. In summary, the available evidence is currently insufficient to determine the role of this variant in disease. Therefore, it has been classified as a Variant of Uncertain Significance.

Literature cited by the submitters: PubMed 17576681; PubMed 9536098.